The following is an entry in ClinVar:

NM_001042492.3(NF1):c.7623_7625del (p.Lys2542del)

Gene: NF1 (neurofibromin 1; plus strand). Cytogenetic location: 17q11.2.
Variant type: Deletion.
Coding change: c.7623_7625del on transcript NM_001042492.3 (MANE Select); coding-DNA positions 7623 to 7625, 3 bases deleted (GAA; older notation c.7623_7625delGAA).
Protein change: p.Lys2542del; deletes lysine 2542.
Molecular consequence: inframe deletion. On other transcripts: inframe indel (1).
Genome position (GRCh38, 1-based): chr17:31,356,467-31,356,469, GAA deleted. VCF-style (leftmost placement, unchanged base first): chr17-31356466-GGAA-G. GRCh37 (hg19) VCF-style: chr17-29683484-GGAA-G.
Other names: c.7560_7562delGAA, p.Lys2521del (NM_000267.4); short protein forms K2521del, K2542del.
Identifiers: ClinVar variation 1439993 (VCV001439993.8), dbSNP rs2151581007, ClinGen allele CA2573153862.

ClinVar aggregate classification (germline): Uncertain significance (1 of 4 stars; one submission).

Conditions:
Neurofibromatosis, type 1 (NF1). Also called: Peripheral type neurofibromatosis; VON RECKLINGHAUSEN DISEASE; NEUROFIBROMATOSIS, TYPE I, SOMATIC; Neurofibromatosis, type I. Identifiers: Orphanet 636, MedGen C0027831, MONDO:0018975, OMIM 162200. Disease mechanism: loss of function.

Submission:

Labcorp Genetics (formerly Invitae), Labcorp
Classification: Uncertain significance for Neurofibromatosis, type 1. Last evaluated: 2021-07-25. Review status: criteria provided, single submitter. Criteria: Invitae Variant Classification Sherloc (09022015). Collection method: clinical testing. Allele origin: germline.
Comment: Experimental studies and prediction algorithms are not available or were not evaluated, and the functional significance of this variant is currently unknown. This variant has not been reported in the literature in individuals affected with NF1-related conditions. This variant is not present in population databases (ExAC no frequency). This variant, c.7560_7562del, results in the deletion of 1 amino acid(s) of the NF1 protein (p.Lys2521del), but otherwise preserves the integrity of the reading frame. In summary, the available evidence is currently insufficient to determine the role of this variant in disease. Therefore, it has been classified as a Variant of Uncertain Significance.